The following is an entry in ClinVar:

ClinVar aggregate classification (germline): Uncertain significance. Review status: criteria provided, multiple submitters, no conflicts (2 of 4 stars). 2 submissions from 2 submitters: Uncertain significance (2). Last evaluated 2025-10-23.

Allele frequency attached by ClinVar (database versions not stated): gnomAD 0.00001; gnomAD exomes 0.00002; TOPMed 0.00002; ExAC 0.00003; ESP Exome Variant Server 0.00008.
gnomAD v4.1: 37 of 1,613,924 alleles (0.0023%); highest among the groups gnomAD compares: Non-Finnish European, 0.003%; no homozygotes.

Submissions (2):

Women's Health and Genetics/Laboratory Corporation of America, LabCorp
Classification: Uncertain significance. Last evaluated: 2025-10-23. Review status: criteria provided, single submitter. Criteria: LabCorp Variant Classification Summary - May 2015. Collection method: clinical testing. Allele origin: germline.
Comment: Variant summary: TBXAS1 c.274G>A (p.Glu92Lys) results in a conservative amino acid change in the encoded protein sequence. Algorithms developed to predict the effect of missense changes on protein structure and function all suggest that this variant is likely to be tolerated. The variant allele was found at a frequency of 1.2e-05 in 251448 control chromosomes. The available data on variant occurrences in the general population are insufficient to allow any conclusion about variant significance. To our knowledge, no occurrence of c.274G>A in individuals affected with TBXAS1-related conditions and no experimental evidence demonstrating its impact on protein function have been reported. ClinVar contains an entry for this variant (Variation ID: 3068924). Based on the evidence outlined above, the variant was classified as uncertain significance.

Labcorp Genetics (formerly Invitae), Labcorp
Classification: Uncertain significance. Last evaluated: 2024-10-25. Review status: criteria provided, single submitter. Criteria: Invitae Variant Classification Sherloc (09022015). Collection method: clinical testing. Allele origin: germline.
Comment: This sequence change replaces glutamic acid, which is acidic and polar, with lysine, which is basic and polar, at codon 93 of the TBXAS1 protein (p.Glu93Lys). This variant is present in population databases (rs144789379, gnomAD 0.003%). This variant has not been reported in the literature in individuals affected with TBXAS1-related conditions. Invitae Evidence Modeling of protein sequence and biophysical properties (such as structural, functional, and spatial information, amino acid conservation, physicochemical variation, residue mobility, and thermodynamic stability) indicates that this missense variant is not expected to disrupt TBXAS1 protein function with a negative predictive value of 95%. In summary, the available evidence is currently insufficient to determine the role of this variant in disease. Therefore, it has been classified as a Variant of Uncertain Significance.

NM_001061.7(TBXAS1):c.274G>A (p.Glu92Lys)

Gene: TBXAS1 (thromboxane A synthase 1; plus strand). Cytogenetic location: 7q34.
Variant type: single nucleotide variant.
Coding change: c.274G>A on transcript NM_001061.7 (MANE Select); coding-DNA position 274, G replaced by A.
Protein change: p.Glu92Lys; replaces glutamic acid 92 with lysine.
Molecular consequence: missense variant. On other transcripts: intron variant (1).
Genome position (GRCh38, 1-based): chr7:139,911,262, G>A. VCF-style: chr7-139911262-G-A. GRCh37 (hg19) VCF-style: chr7-139611061-G-A.
Other names: c.274G>A, p.Glu92Lys (NM_001130966.5, NM_001166253.4, NM_001366538.2 and 1 more transcripts); c.73G>A, p.Glu25Lys (NM_001166254.4); c.217G>A, p.Glu73Lys (NM_001314028.4); c.151-24929G>A (NM_001366537.3); short protein forms E25K, E73K, E92K, E93K.
Identifiers: ClinVar variation 3068924 (VCV003068924.4), dbSNP rs144789379, ClinGen allele CA4511560.